The following is an entry in ClinVar:

ClinVar aggregate classification (germline): Uncertain significance (1 of 4 stars; one submission).

Submission:

Labcorp Genetics (formerly Invitae), Labcorp
Classification: Uncertain significance. Last evaluated: 2023-07-25. Review status: criteria provided, single submitter. Criteria: Invitae Variant Classification Sherloc (09022015). Collection method: clinical testing. Allele origin: germline.
Comment: In summary, the available evidence is currently insufficient to determine the role of this variant in disease. Therefore, it has been classified as a Variant of Uncertain Significance. An algorithm developed to predict the effect of missense changes on protein structure and function (PolyPhen-2) suggests that this variant is likely to be disruptive. This variant has not been reported in the literature in individuals affected with MICAL1-related conditions. This variant is not present in population databases (gnomAD no frequency). This sequence change replaces glycine, which is neutral and non-polar, with cysteine, which is neutral and slightly polar, at codon 779 of the MICAL1 protein (p.Gly779Cys).

NM_022765.4(MICAL1):c.2278G>T (p.Gly760Cys)

Gene: MICAL1 (microtubule associated monooxygenase, calponin and LIM domain containing 1; minus strand). Cytogenetic location: 6q21.
Variant type: single nucleotide variant.
Coding change: c.2278G>T on transcript NM_022765.4 (MANE Select); coding-DNA position 2278, G replaced by T.
Protein change: p.Gly760Cys; replaces glycine 760 with cysteine.
Molecular consequence: missense variant.
Genome position (GRCh38, 1-based): chr6:109,446,722, C>A on the plus strand (G>T on the coding strand, the complement: MICAL1 is on the minus strand). VCF-style: chr6-109446722-C-A. GRCh37 (hg19) VCF-style: chr6-109767925-C-A.
Other names: c.2020G>T, p.Gly674Cys (NM_001159291.2); c.2335G>T, p.Gly779Cys (NM_001286613.2); short protein forms G779C, G674C, G760C.
Identifiers: ClinVar variation 2880267 (VCV002880267.3), dbSNP rs1334947600, ClinGen allele CA365224713.